The following is an entry in ClinVar:

NM_000548.5(TSC2):c.5069-47_5069-46insCAGGAAAGGTAGGGCCGGGTGGGGCCCTGCAGTGCAGGAAAGGTAGGGCCGGGTGGGGCCCTGCAGTGCAGGAAAGGTAGGGCCGGGTGGGGCCCTGCAGTGCAGGAAAGGTAGGGCCGGGTGGGGCCCTGCAGTG

Gene: TSC2 (TSC complex subunit 2; plus strand). Cytogenetic location: 16p13.3.
Variant type: Microsatellite.
Coding change: c.5069-47_5069-46insCAGGAAAGGTAGGGCCGGGTGGGGCCCTGCAGTGCAGGAAAGGTAGGGCCGGGTGGGGCCCTGCAGTGCAGGAAAGGTAGGGCCGGGTGGGGCCCTGCAGTGCAGGAAAGGTAGGGCCGGGTGGGGCCCTGCAGTG on transcript NM_000548.5 (MANE Select); 47 bases into the intron before coding-DNA position 5069 through 46 bases into the intron before coding-DNA position 5069, CAGGAAAGGTAGGGCCGGGTGGGGCCCTGCAGTGCAGGAAAGGTAGGGCCGGGTGGGGCCCTGCAGTGCAGGAAAGGTAGGGCCGGGTGGGGCCCTGCAGTGCAGGAAAGGTAGGGCCGGGTGGGGCCCTGCAGTG inserted.
Molecular consequence: splice donor variant.
Genome position: GRCh38, VCF-style position (the base before the change): chr16:2,087,923. GRCh37 (hg19), VCF-style position (the base before the change): chr16:2,137,924.
Identifiers: ClinVar variation 4758996 (VCV004758996.1).

ClinVar aggregate classification (germline): Uncertain significance (1 of 4 stars; one submission).

Conditions:
Tuberous sclerosis syndrome (TSC). Also called: Tuberous Sclerosis Complex; Tuberous sclerosis. Identifiers: Orphanet 805, MedGen C0041341, MONDO:0001734.

Submission:

Color Diagnostics, LLC DBA Color Health
Classification: Uncertain significance for Tuberous sclerosis syndrome. Last evaluated: 2025-08-04. Review status: criteria provided, single submitter. Criteria: ACMG Guidelines, 2015. Collection method: clinical testing. Allele origin: germline.
Comment: This variant inserts 136 nucleotides into intron 39 of the TSC2 gene. This insertion duplicates the intron 39 canonical donor site, which may then compete with the native donor site and result in aberrant splicing. To our knowledge, RNA studies have not been performed on this variant. This variant has not been reported in individuals affected with TSC2-related disorders in the literature and has not been identified in the general population by the Genome Aggregation Database (gnomAD). The available evidence is insufficient to determine the role of this variant in disease conclusively. Therefore, this variant is classified as a Variant of Uncertain Significance.